The following is an entry in ClinVar:

ClinVar aggregate classification (germline): Uncertain significance (1 of 4 stars; one submission).

Submission:

Women's Health and Genetics/Laboratory Corporation of America, LabCorp
Classification: Uncertain significance. Last evaluated: 2020-10-26. Review status: criteria provided, single submitter. Criteria: LabCorp Variant Classification Summary - May 2015. Collection method: clinical testing. Allele origin: germline.
Comment: Variant summary: MACF1 c.2879_2880delinsCT (p.Trp960Ser) results in a non-conservative amino acid change located in the Desmoplakin, spectrin-like domain (IPR041573) of the encoded protein sequence. Four of five in-silico tools predict a damaging effect of the variant on protein function. The variant was absent in 251420 control chromosomes (gnomAD). The available data on variant occurrences in the general population are insufficient to allow any conclusion about variant significance. . To our knowledge, no occurrence of c.2879_2880delinsCT in individuals affected with Lissencephaly 9 With Complex Brainstem Malformation and no experimental evidence demonstrating its impact on protein function have been reported. No other clinical diagnostic laboratories have submitted clinical-significance assessments for this variant to ClinVar after 2014. Based on the evidence outlined above, the variant was classified as uncertain significance.

NM_001394062.1(MACF1):c.2864_2865delinsCT (p.Trp955Ser)

Gene: MACF1 (microtubule actin crosslinking factor 1; plus strand). Cytogenetic location: 1p34.3.
Variant type: Indel.
Coding change: c.2864_2865delinsCT on transcript NM_001394062.1 (MANE Select); coding-DNA positions 2864 to 2865, GG replaced by CT.
Protein change: p.Trp955Ser; replaces tryptophan 955 with serine.
Molecular consequence: missense variant.
Genome position (GRCh38, 1-based): chr1:39,309,644-39,309,645, GG replaced by CT. VCF-style: chr1-39309644-GG-CT. GRCh37 (hg19) VCF-style: chr1-39775316-GG-CT.
Other names: c.2879_2880delinsCT, p.Trp960Ser (NM_012090.5); short protein forms W960S, W955S.
Identifiers: ClinVar variation 929024 (VCV000929024.2), dbSNP rs1646259225, ClinGen allele CA1139656055.